The following is an entry in ClinVar:

NM_014956.5(CEP164):c.4286_4286+2dup

Gene: CEP164 (centrosomal protein 164; plus strand). Cytogenetic location: 11q23.3.
Variant type: Duplication.
Coding change: c.4286_4286+2dup on transcript NM_014956.5 (MANE Select); coding-DNA position 4286 through the canonical splice donor site of the intron after coding-DNA position 4286, 3 bases duplicated (TGT; older notation c.4286_4286+2dupTGT).
Molecular consequence: splice donor variant.
Genome position (GRCh38, 1-based): chr11:117,411,917-117,411,919, TGT duplicated; duplicating any 3 consecutive bases within chr11:117,411,915-117,411,919 gives the same sequence; the c. name uses the placement nearest the transcript's 3' end. VCF-style (leftmost placement, unchanged base first): chr11-117411914-G-GGTT. GRCh37 (hg19) VCF-style: chr11-117282630-G-GGTT.
Other names: c.4271_4271+2dup (NM_001271933.2); c.4103_4103+2dup (NM_001440972.1); c.4292_4292+2dup (NM_001440949.1); c.4124_4124+2dup (NM_001440967.1); c.4199_4199+2dup (NM_001440956.1); c.4286_4286+2dup (NM_001440950.1, NM_001440951.1); c.4262_4262+2dup (NM_001440953.1); c.4139_4139+2dup (NM_001440962.1, NM_001440963.1); and 21 more.
Identifiers: ClinVar variation 4999184 (VCV004999184.1).
Genomic context (GRCh38, chr11:117,411,914, plus strand): 5'-CCTTTCAGGGCATAATTGAGGCCAACCGGAGGTGGCTGGAACGTGTCAAGAATGACCCCA[G>GGTT]GTTGTATCCTTTTACCTGGTTCCCAAACTGGGCTGGGCTGTGGGGACTGTGCTTGTGCCC-3'

ClinVar aggregate classification (germline): Uncertain significance (1 of 4 stars; one submission).

Conditions:
CEP164-related disorder. Also called: CEP164-related condition.

Submission:

PreventionGenetics, part of Exact Sciences
Classification: Uncertain significance for CEP164-related condition. Last evaluated: 2025-07-28. Review status: criteria provided, single submitter. Criteria: ACMG Guidelines, 2015. Collection method: clinical testing. Allele origin: germline.
Comment: The CEP164 c.4286_4286+2dupTGT variant is predicted to result in a duplication affecting a canonical splice site. This variant is predicted to result in a duplication that spans the intron/exon boundary that does not impact splicing based on available splicing prediction programs (SpliceAI, Jaganathan et al. 2019. PubMed ID: 30661751). To our knowledge, this variant has not been reported in the literature or in a large population database (gnomAD), indicating this variant is rare. At this time, the clinical significance of this variant is uncertain due to the absence of conclusive functional and genetic evidence.